The following is an entry in ClinVar:

NM_002303.6(LEPR):c.2674-5935A>C

Gene: LEPR (leptin receptor; plus strand). Cytogenetic location: 1p31.3.
Variant type: single nucleotide variant.
Coding change: c.2674-5935A>C on transcript NM_002303.6 (MANE Select); 5935 bases into the intron before coding-DNA position 2674, A replaced by C.
Molecular consequence: intron variant. On other transcripts: missense variant (2).
Genome position (GRCh38, 1-based): chr1:65,630,256, A>C. VCF-style: chr1-65630256-A-C. GRCh37 (hg19) VCF-style: chr1-66095939-A-C.
Other names: c.2728A>C (NM_001198687.1); c.2728A>C, p.Thr910Pro (NM_001003680.3, NM_001198687.2); c.2674-2896A>C (NM_001003679.3, NM_001198689.2); short protein forms T910P.
Identifiers: ClinVar variation 1339320 (VCV001339320.2), dbSNP rs551017633, ClinGen allele CA895110.

ClinVar aggregate classification (germline): Uncertain significance. Review status: criteria provided, single submitter (1 of 4 stars). 2 submissions from 2 submitters: Uncertain significance (1). 1 of the submissions does not count toward it.

Conditions:
LEPR-related disorder. Also called: LEPR-related disorders; LEPR-related condition.
Obesity due to leptin receptor gene deficiency. Identifiers: Orphanet 179494, MedGen C3554225, MONDO:0013992, OMIM 614963.

Allele frequency attached by ClinVar (database versions not stated): TOPMed 0.00001; gnomAD 0.00009; 1000 Genomes Project 0.00020; gnomAD exomes 0.00042 and 0.00045; 1000 Genomes Project 30x 0.00062; ExAC 0.00733.
gnomAD v4.1: 102 of 351,140 alleles (0.029%); highest among the groups gnomAD compares: South Asian, 0.22%; 1 homozygote.

Submissions (2):

Molecular Endocrinology Laboratory, Christian Medical College
Classification: Uncertain significance for Obesity due to leptin receptor gene deficiency. Review status: criteria provided, single submitter. Criteria: ACMG Guidelines, 2015. Collection method: clinical testing. Allele origin: germline. Affected: yes.

PreventionGenetics, part of Exact Sciences
Classification: Likely benign for LEPR-related condition. Last evaluated: 2024-02-27. Review status: no assertion criteria provided. Collection method: clinical testing. Allele origin: germline. Not counted in ClinVar's aggregate classification.
Comment: This variant is classified as likely benign based on ACMG/AMP sequence variant interpretation guidelines (Richards et al. 2015 PMID: 25741868, with internal and published modifications).